The following is an entry in ClinVar:

ClinVar aggregate classification (germline): Uncertain significance. Review status: criteria provided, multiple submitters, no conflicts (2 of 4 stars). 3 submissions from 3 submitters: Uncertain significance (3). Last evaluated 2024-12-12.

Conditions:
Inborn genetic diseases. Identifiers: MedGen C0950123, MeSH D030342.
Bartter disease type 1. Also called: HYPOKALEMIC ALKALOSIS WITH HYPERCALCIURIA 1, ANTENATAL; HYPERPROSTAGLANDIN E SYNDROME 1; Bartter syndrome, type 1, antenatal; Bartter Syndrome type 1. Identifiers: Orphanet 112, Orphanet 620217, MedGen C1866495, MONDO:0100344, OMIM 601678, MONDO:0011127.

Allele frequency attached by ClinVar (database versions not stated): gnomAD 0.00001; TOPMed 0.00001; ExAC 0.00002; gnomAD exomes 0.00006.

Submissions (3):

GeneDx
Classification: Uncertain significance. Last evaluated: 2024-12-12. Review status: criteria provided, single submitter. Criteria: GeneDx Variant Classification Process June 2021. Collection method: clinical testing. Allele origin: germline. Affected: yes.
Comment: Not observed at significant frequency in large population cohorts (gnomAD); In silico analysis supports that this missense variant has a deleterious effect on protein structure/function; Has not been previously published as pathogenic or benign to our knowledge

Fulgent Genetics
Classification: Uncertain significance for Bartter disease type 1. Last evaluated: 2023-12-28. Review status: criteria provided, single submitter. Criteria: ACMG Guidelines, 2015. Collection method: clinical testing. Allele origin: germline.

Ambry Genetics
Classification: Uncertain significance for Inborn genetic diseases. Last evaluated: 2021-09-15. Review status: criteria provided, single submitter. Criteria: Ambry Variant Classification Scheme 2023. Collection method: clinical testing. Allele origin: germline.

NM_000338.3(SLC12A1):c.950T>C (p.Val317Ala)

Gene: SLC12A1 (solute carrier family 12 member 1; plus strand). Cytogenetic location: 15q21.1.
Variant type: single nucleotide variant.
Coding change: c.950T>C on transcript NM_000338.3 (MANE Select); coding-DNA position 950, T replaced by C.
Protein change: p.Val317Ala; replaces valine 317 with alanine.
Molecular consequence: missense variant.
Genome position (GRCh38, 1-based): chr15:48,230,478, T>C. VCF-style: chr15-48230478-T-C. GRCh37 (hg19) VCF-style: chr15-48522675-T-C.
Other names: c.950T>C, p.Val317Ala (NM_001184832.2, NM_001384136.1); short protein forms V317A.
Identifiers: ClinVar variation 2249514 (VCV002249514.4), dbSNP rs773619083, ClinGen allele CA7546937.